The following is an entry in ClinVar:

NM_001040142.2(SCN2A):c.579G>A (p.Trp193Ter)

Gene: SCN2A (sodium voltage-gated channel alpha subunit 2; plus strand). Cytogenetic location: 2q24.3.
Variant type: single nucleotide variant.
Coding change: c.579G>A on transcript NM_001040142.2 (MANE Select); coding-DNA position 579, G replaced by A.
Protein change: p.Trp193Ter; replaces tryptophan 193 with a stop codon.
Molecular consequence: nonsense.
Genome position (GRCh38, 1-based): chr2:165,308,768, G>A. VCF-style: chr2-165308768-G-A. GRCh37 (hg19) VCF-style: chr2-166165278-G-A.
Other names: c.579G>A, p.Trp193Ter (NM_001040143.2, NM_001371246.1, NM_001371247.1 and 1 more transcripts); short protein forms W193*.
Identifiers: ClinVar variation 1460413 (VCV001460413.6), dbSNP rs748656792, ClinGen allele CA349016687.

ClinVar aggregate classification (germline): Pathogenic (1 of 4 stars; one submission).

Conditions:
Seizures, benign familial infantile, 3 (BFIS3). Also called: Familial neonatal seizures; CONVULSIONS, BENIGN FAMILIAL INFANTILE, 3. Identifiers: Orphanet 140927, Orphanet 306, MedGen C1843140, MONDO:0011904, OMIM 607745.
Developmental and epileptic encephalopathy, 11 (DEE11). Also called: Early infantile epileptic encephalopathy 11. Identifiers: Orphanet 1934, MedGen C3150987, MONDO:0013388, OMIM 613721.

Submission:

Labcorp Genetics (formerly Invitae), Labcorp
Classification: Pathogenic for Seizures, benign familial infantile, 3; Developmental and epileptic encephalopathy, 11. Last evaluated: 2021-04-02. Review status: criteria provided, single submitter. Criteria: Invitae Variant Classification Sherloc (09022015). Collection method: clinical testing. Allele origin: germline.
Comment: For these reasons, this variant has been classified as Pathogenic. This variant has not been reported in the literature in individuals with SCN2A-related conditions. This variant is not present in population databases (ExAC no frequency). This sequence change creates a premature translational stop signal (p.Trp193*) in the SCN2A gene. It is expected to result in an absent or disrupted protein product. Loss-of-function variants in SCN2A are known to be pathogenic (PMID: 28379373).

Literature cited by the submitters: PubMed 28379373.